The following is an entry in ClinVar:

NM_000397.4(CYBB):c.1587-2A>G

Gene: CYBB (cytochrome b-245 beta chain; plus strand). Cytogenetic location: Xp11.4.
Variant type: single nucleotide variant.
Coding change: c.1587-2A>G on transcript NM_000397.4 (MANE Select); the canonical splice acceptor site of the intron before coding-DNA position 1587, A replaced by G.
Molecular consequence: splice acceptor variant.
Genome position (GRCh38, 1-based): chrX:37,810,789, A>G. VCF-style: chrX-37810789-A-G. GRCh37 (hg19) VCF-style: chrX-37670042-A-G.
Identifiers: ClinVar variation 4855762 (VCV004855762.1).

ClinVar aggregate classification (germline): Uncertain significance (1 of 4 stars; one submission).

Conditions:
Granulomatous disease, chronic, X-linked. Also called: GRANULOMATOUS DISEASE, CHRONIC, X-LINKED, SOMATIC MOSAIC; CYTOCHROME b-NEGATIVE GRANULOMATOUS DISEASE, CHRONIC, X-LINKED. Identifiers: Orphanet 379, MedGen C1844376, MONDO:0010600, OMIM 306400.

Submission:

3billion
Classification: Uncertain significance for Granulomatous disease, chronic, X-linked. Last evaluated: 2026-01-15. Review status: criteria provided, single submitter. Criteria: ACMG Guidelines, 2015. Collection method: clinical testing. Allele origin: germline. Affected: yes.
Comment: The variant is not observed in the gnomAD v4.1.0 dataset. Predicted Consequence/Location: Canonical splice site: predicted to alter splicing and result in a loss or disruption of normal protein function. The predicted truncated protein may be shortened by less than 10%. In silico tools predict the variant to alter splicing and produce an abnormal transcript [SpliceAI: 0.98 (spliceogenicity >=0.2, non-spliceogenicity <0.1)]. The variant has been reported to be associated with CYBB-related disorder (PMID: 9888386). However, the evidence of pathogenicity is insufficient at this time. Therefore, this variant is classified as VUS according to the recommendation of ACMG/AMP guideline.

Literature cited by the submitters: PubMed 9888386.